The following is an entry in ClinVar:

ClinVar aggregate classification (germline): Benign/Likely benign. Review status: criteria provided, multiple submitters, no conflicts (2 of 4 stars). 3 submissions from 3 submitters: Benign (1); Likely benign (2). Last evaluated 2025-10-26.

Conditions:
Palmoplantar keratoderma-esophageal carcinoma syndrome (TOC). Also called: PALMOPLANTAR KERATODERMA WITH ESOPHAGEAL CANCER; KERATOSIS PALMARIS ET PLANTARIS WITH ESOPHAGEAL CANCER; Tylosis with Esophageal Cancer. Identifiers: Orphanet 2198, MedGen C1835664, MONDO:0007856, OMIM 148500.

Allele frequency attached by ClinVar (database versions not stated): TOPMed 0.00003; gnomAD 0.00004; gnomAD exomes 0.00006 and 0.00010; ExAC 0.00009.
gnomAD v4.1: 100 of 1,608,514 alleles (0.0062%); highest among the groups gnomAD compares: Middle Eastern, 0.1%; 2 homozygotes.

Submissions (3):

Labcorp Genetics (formerly Invitae), Labcorp
Classification: Benign. Last evaluated: 2025-10-26. Review status: criteria provided, single submitter. Criteria: Invitae Variant Classification Sherloc (09022015). Collection method: clinical testing. Allele origin: germline.

Blueprint Genetics
Classification: Likely benign. Last evaluated: 2024-07-29. Review status: criteria provided, single submitter. Criteria: ACMG Guidelines, 2015. Collection method: clinical testing. Allele origin: germline.

Illumina Laboratory Services, Illumina
Classification: Likely benign for Palmoplantar keratoderma-esophageal carcinoma syndrome. Last evaluated: 2018-01-12. Review status: criteria provided, single submitter. Criteria: ICSL Variant Classification Criteria 13 December 2019. Collection method: clinical testing. Allele origin: germline.
Comment: This variant was observed in the ICSL laboratory as part of a predisposition screen in an ostensibly healthy population. It had not been previously curated by ICSL or reported in the Human Gene Mutation Database (HGMD: prior to June 1st, 2018), and was therefore a candidate for classification through an automated scoring system. Utilizing variant allele frequency, disease prevalence and penetrance estimates, and inheritance mode, an automated score was calculated to assess if this variant is too frequent to cause the disease. Based on the score and internal cut-off values, a variant classified as likely benign is not then subjected to further curation. The score for this variant resulted in a classification of likely benign for this disease.

NM_001005498.4(RHBDF2):c.327G>T (p.Gln109His)

Gene: RHBDF2 (rhomboid 5 homolog 2; minus strand). Cytogenetic location: 17q25.1.
Variant type: single nucleotide variant.
Coding change: c.327G>T on transcript NM_001005498.4 (MANE Select); coding-DNA position 327, G replaced by T.
Protein change: p.Gln109His; replaces glutamine 109 with histidine.
Molecular consequence: missense variant. On other transcripts: non-coding transcript variant (3).
Genome position (GRCh38, 1-based): chr17:76,479,223, C>A on the plus strand (G>T on the coding strand, the complement: RHBDF2 is on the minus strand). VCF-style: chr17-76479223-C-A. GRCh37 (hg19) VCF-style: chr17-74475305-C-A.
Other names: c.327G>T, p.Gln109His (NM_001376228.1, NM_001376229.1, NM_001376230.1); c.414G>T, p.Gln138His (NM_024599.5); short protein forms Q138H, Q109H.
Identifiers: ClinVar variation 325461 (VCV000325461.8), dbSNP rs763124357, ClinGen allele CA8787372.